The following is an entry in ClinVar:

ClinVar aggregate classification (germline): Uncertain significance. Review status: criteria provided, multiple submitters, no conflicts (2 of 4 stars). 3 submissions from 3 submitters: Uncertain significance (2). 1 of the submissions does not count toward it. Last evaluated 2023-06-06.

Conditions:
Inborn genetic diseases. Identifiers: MedGen C0950123, MeSH D030342.
BBS9-related disorder. Also called: BBS9-related condition.
Bardet-Biedl syndrome (BBS). Identifiers: Orphanet 110, MedGen C0752166, MONDO:0015229.

Allele frequency attached by ClinVar (database versions not stated): gnomAD exomes 0.00001; ExAC 0.00002; gnomAD 0.00006 and 0.00007; TOPMed 0.00007.
gnomAD v4.1: 18 of 1,610,594 alleles (0.0011%); highest among the groups gnomAD compares: African/African-American, 0.023%; no homozygotes.

Submissions (3):

Ambry Genetics
Classification: Uncertain significance for Inborn genetic diseases. Last evaluated: 2023-06-06. Review status: criteria provided, single submitter. Criteria: Ambry Variant Classification Scheme 2023. Collection method: clinical testing. Allele origin: germline.

Labcorp Genetics (formerly Invitae), Labcorp
Classification: Uncertain significance for Bardet-Biedl syndrome. Last evaluated: 2021-09-20. Review status: criteria provided, single submitter. Criteria: Invitae Variant Classification Sherloc (09022015). Collection method: clinical testing. Allele origin: germline.
Comment: In summary, the available evidence is currently insufficient to determine the role of this variant in disease. Therefore, it has been classified as a Variant of Uncertain Significance. Algorithms developed to predict the effect of missense changes on protein structure and function (SIFT, PolyPhen-2, Align-GVGD) all suggest that this variant is likely to be disruptive. This variant has not been reported in the literature in individuals affected with BBS9-related conditions. This variant is present in population databases (rs769663141, ExAC 0.02%). This sequence change replaces asparagine with lysine at codon 307 of the BBS9 protein (p.Asn307Lys). The asparagine residue is highly conserved and there is a moderate physicochemical difference between asparagine and lysine.

PreventionGenetics, part of Exact Sciences
Classification: Uncertain significance for BBS9-related condition. Last evaluated: 2024-08-19. Review status: no assertion criteria provided. Collection method: clinical testing. Allele origin: germline. Not counted in ClinVar's aggregate classification.
Comment: The BBS9 c.921T>G variant is predicted to result in the amino acid substitution p.Asn307Lys. To our knowledge, this variant has not been reported in the literature. This variant is reported in 0.024% of alleles in individuals of African descent in gnomAD. At this time, the clinical significance of this variant is uncertain due to the absence of conclusive functional and genetic evidence.

NM_198428.3(BBS9):c.921T>G (p.Asn307Lys)

Gene: BBS9 (Bardet-Biedl syndrome 9; plus strand). Cytogenetic location: 7p14.3.
Variant type: single nucleotide variant.
Coding change: c.921T>G on transcript NM_198428.3 (MANE Select); coding-DNA position 921, T replaced by G.
Protein change: p.Asn307Lys; replaces asparagine 307 with lysine.
Molecular consequence: missense variant. On other transcripts: non-coding transcript variant (3).
Genome position (GRCh38, 1-based): chr7:33,273,861, T>G. VCF-style: chr7-33273861-T-G. GRCh37 (hg19) VCF-style: chr7-33313473-T-G.
Other names: c.921T>G, p.Asn307Lys (NM_001033604.2, NM_001033605.2, NM_001348036.1 and 5 more transcripts); c.555T>G, p.Asn185Lys (NM_001348037.3, NM_001348044.3, NM_001348045.3 and 1 more transcripts); c.648T>G, p.Asn216Lys (NM_001348038.3, NM_001348039.3); c.786T>G, p.Asn262Lys (NM_001348042.3); c.921T>G (NM_198428.2); short protein forms N262K, N307K, N185K, N216K.
Identifiers: ClinVar variation 1480801 (VCV001480801.8), dbSNP rs769663141, ClinGen allele CA4214147.